The following is an entry in ClinVar:

ClinVar aggregate classification (germline): Likely benign. Review status: criteria provided, multiple submitters, no conflicts (2 of 4 stars). 3 submissions from 3 submitters: Likely benign (2). 1 of the submissions does not count toward it. Last evaluated 2026-01-17.

Conditions:
BBS4-related disorder. Also called: BBS4-related condition.
Bardet-Biedl syndrome (BBS). Identifiers: Orphanet 110, MedGen C0752166, MONDO:0015229.

Allele frequency attached by ClinVar (database versions not stated): gnomAD 0.00004; gnomAD exomes 0.00009 and 0.00019; TOPMed 0.00009; 1000 Genomes Project 30x 0.00016; ExAC 0.00016; 1000 Genomes Project 0.00020.
gnomAD v4.1: 62 of 1,614,054 alleles (0.0038%); highest among the groups gnomAD compares: Admixed American, 0.1%; no homozygotes.

Submissions (3):

Labcorp Genetics (formerly Invitae), Labcorp
Classification: Likely benign for Bardet-Biedl syndrome. Last evaluated: 2026-01-17. Review status: criteria provided, single submitter. Criteria: Invitae Variant Classification Sherloc (09022015). Collection method: clinical testing. Allele origin: germline.

Blueprint Genetics
Classification: Likely benign. Last evaluated: 2022-10-31. Review status: criteria provided, single submitter. Criteria: ACMG Guidelines, 2015. Collection method: clinical testing. Allele origin: germline.

PreventionGenetics, part of Exact Sciences
Classification: Likely benign for BBS4-related condition. Last evaluated: 2019-03-08. Review status: no assertion criteria provided. Collection method: clinical testing. Allele origin: germline. Not counted in ClinVar's aggregate classification.
Comment: This variant is classified as likely benign based on ACMG/AMP sequence variant interpretation guidelines (Richards et al. 2015 PMID: 25741868, with internal and published modifications).

NM_033028.5(BBS4):c.864+10C>T

Gene: BBS4 (Bardet-Biedl syndrome 4; plus strand). Cytogenetic location: 15q24.1.
Variant type: single nucleotide variant.
Coding change: c.864+10C>T on transcript NM_033028.5 (MANE Select); 10 bases into the intron after coding-DNA position 864, C replaced by T.
Molecular consequence: intron variant.
Genome position (GRCh38, 1-based): chr15:72,731,467, C>T. VCF-style: chr15-72731467-C-T. GRCh37 (hg19) VCF-style: chr15-73023808-C-T.
Other names: c.795+10C>T (NM_001320665.2); c.348+10C>T (NM_001252678.2).
Identifiers: ClinVar variation 215953 (VCV000215953.12), dbSNP rs201979024, ClinGen allele CA338694.